The following is an entry in ClinVar:

NM_201384.3(PLEC):c.6791G>A (p.Arg2264His)

Gene: PLEC (plectin; minus strand). Cytogenetic location: 8q24.3.
Variant type: single nucleotide variant.
Coding change: c.6791G>A on transcript NM_201384.3 (MANE Select); coding-DNA position 6791, G replaced by A.
Protein change: p.Arg2264His; replaces arginine 2264 with histidine.
Molecular consequence: missense variant.
Genome position (GRCh38, 1-based): chr8:143,923,138, C>T on the plus strand (G>A on the coding strand, the complement: PLEC is on the minus strand). VCF-style: chr8-143923138-C-T. GRCh37 (hg19) VCF-style: chr8-144997306-C-T.
Other names: c.6872G>A (NM_000445.3); c.6872G>A, p.Arg2291His (NM_000445.5); c.6749G>A, p.Arg2250His (NM_201378.4); c.6725G>A, p.Arg2242His (NM_201379.3); c.7202G>A, p.Arg2401His (NM_201380.4); c.6695G>A, p.Arg2232His (NM_201381.3); c.6791G>A, p.Arg2264His (NM_201382.4); c.6803G>A, p.Arg2268His (NM_201383.3); short protein forms R2232H, R2291H, R2401H, R2242H, R2264H, R2250H, R2268H.
Identifiers: ClinVar variation 471636 (VCV000471636.18), dbSNP rs201661279, ClinGen allele CA4925858.

ClinVar aggregate classification (germline): Uncertain significance. Review status: criteria provided, multiple submitters, no conflicts (2 of 4 stars). 4 submissions from 4 submitters: Uncertain significance (4). Last evaluated 2025-12-02.

Conditions:
Epidermolysis bullosa simplex with nail dystrophy (EBS5D). Identifiers: MedGen C4225309, MONDO:0014661, OMIM 616487.
Epidermolysis bullosa simplex, Ogna type (EBS5A). Also called: Pidermolysis bullosa simplex 5A, Ogna type; EPIDERMOLYSIS BULLOSA SIMPLEX 5A, OGNA TYPE. Identifiers: Orphanet 79401, MedGen C0432317, MONDO:0007555, OMIM 131950.
Autosomal recessive limb-girdle muscular dystrophy type 2Q (LGMDR17). Also called: MUSCULAR DYSTROPHY, LIMB-GIRDLE, AUTOSOMAL RECESSIVE 17. Identifiers: Orphanet 254361, MedGen C3150989, MONDO:0013390, OMIM 613723.
Epidermolysis bullosa simplex 5C, with pyloric atresia (EBS5C). Also called: PLEC-Related Epidermolysis Bullosa with Pyloric Atresia; Epidermolysis bullosa simplex with pyloric atresia; PLEC1-Related Epidermolysis Bullosa with Pyloric Atresia. Identifiers: Orphanet 158684, MedGen C2677349, MONDO:0012807, OMIM 612138.
Epidermolysis bullosa simplex 5B, with muscular dystrophy (EBS5B). Also called: EPIDERMOLYSIS BULLOSA SIMPLEX AND LIMB-GIRDLE MUSCULAR DYSTROPHY; Epidermolysis bullosa simplex with muscular dystrophy. Identifiers: Orphanet 257, MedGen C2931072, MONDO:0009181, OMIM 226670.
Inborn genetic diseases. Identifiers: MedGen C0950123, MeSH D030342.

Allele frequency attached by ClinVar (database versions not stated): TOPMed 0.00008; ESP Exome Variant Server 0.00015; gnomAD 0.00006 and 0.00007; gnomAD exomes 0.00006; ExAC 0.00007.
gnomAD v4.1: 216 of 1,603,348 alleles (0.013%); highest among the groups gnomAD compares: Non-Finnish European, 0.018%; no homozygotes.

Submissions (4):

Labcorp Genetics (formerly Invitae), Labcorp
Classification: Uncertain significance for Autosomal recessive limb-girdle muscular dystrophy type 2Q; Epidermolysis bullosa simplex, Ogna type; Epidermolysis bullosa simplex with nail dystrophy; Epidermolysis bullosa simplex 5C, with pyloric atresia; Epidermolysis bullosa simplex 5B, with muscular dystrophy. Last evaluated: 2025-12-02. Review status: criteria provided, single submitter. Criteria: Invitae Variant Classification Sherloc (09022015). Collection method: clinical testing. Allele origin: germline.
Comment: This sequence change replaces arginine, which is basic and polar, with histidine, which is basic and polar, at codon 2291 of the PLEC protein (p.Arg2291His). This variant is present in population databases (rs201661279, gnomAD 0.01%). This variant has not been reported in the literature in individuals affected with PLEC-related conditions. ClinVar contains an entry for this variant (Variation ID: 471636). An algorithm developed to predict the effect of missense changes on protein structure and function (PolyPhen-2) suggests that this variant is likely to be disruptive. In summary, the available evidence is currently insufficient to determine the role of this variant in disease. Therefore, it has been classified as a Variant of Uncertain Significance.

Women's Health and Genetics/Laboratory Corporation of America, LabCorp
Classification: Uncertain significance. Last evaluated: 2025-02-05. Review status: criteria provided, single submitter. Criteria: LabCorp Variant Classification Summary - May 2015. Collection method: clinical testing. Allele origin: germline.
Comment: Variant summary: PLEC c.6872G>A (p.Arg2291His) results in a non-conservative amino acid change in the encoded protein sequence. Three of five in-silico tools predict a damaging effect of the variant on protein function. The variant allele was found at a frequency of 5.8e-05 in 241202 control chromosomes. This frequency is not significantly higher than estimated for a pathogenic variant in PLEC causing Epidermolysis bullosa simplex 5C, with pyloric atresia (5.8e-05 vs 0.0061), allowing no conclusion about variant significance. To our knowledge, no occurrence of c.6872G>A in individuals affected with Epidermolysis bullosa simplex 5C, with pyloric atresia or other PLEC-related disorders and no experimental evidence demonstrating its impact on protein function have been reported. ClinVar contains an entry for this variant (Variation ID: 471636). Based on the evidence outlined above, the variant was classified as uncertain significance.

Ambry Genetics
Classification: Uncertain significance for Inborn genetic diseases. Last evaluated: 2022-08-01. Review status: criteria provided, single submitter. Criteria: Ambry Variant Classification Scheme 2023. Collection method: clinical testing. Allele origin: germline.

Revvity Omics, Revvity
Classification: Uncertain significance. Last evaluated: 2019-10-07. Review status: criteria provided, single submitter. Criteria: ACMG Guidelines, 2015. Collection method: clinical testing. Allele origin: germline.